The following is an entry in ClinVar:

NM_000466.3(PEX1):c.995_996del (p.Tyr332fs)

Gene: PEX1 (peroxisomal biogenesis factor 1; minus strand). Cytogenetic location: 7q21.2.
Variant type: Microsatellite.
Coding change: c.995_996del on transcript NM_000466.3 (MANE Select); coding-DNA positions 995 to 996, 2 bases deleted (AT; older notation c.995_996delAT).
Protein change: p.Tyr332fs; shifts the reading frame from tyrosine 332.
Molecular consequence: frameshift variant.
Genome position (GRCh38, 1-based): chr7:92,517,519-92,517,520, AT deleted on the plus strand (AT on the coding strand, the reverse complement: PEX1 is on the minus strand); deleting any 2 consecutive bases within chr7:92,517,519-92,517,522 gives the same sequence; the c. name uses the placement nearest the transcript's 3' end. VCF-style (leftmost placement, unchanged base first): chr7-92517518-CAT-C. GRCh37 (hg19) VCF-style: chr7-92146832-CAT-C.
Other names: c.995_996del, p.Tyr332fs (NM_001282677.2); c.371_372del, p.Tyr124fs (NM_001282678.2); short protein forms Y124fs, Y332fs.
Identifiers: ClinVar variation 2880636 (VCV002880636.3), dbSNP rs1190973818, ClinGen allele CA576706617.

ClinVar aggregate classification (germline): Pathogenic (1 of 4 stars; one submission).

Conditions:
Zellweger spectrum disorders (ZS). Also called: Zellweger Spectrum Disorder (ZSD); Zellweger syndrome; Zellweger Spectrum Disorder; Zellweger Spectrum. Identifiers: Orphanet 912, MedGen C0043459, MONDO:0019609.

Submission:

Labcorp Genetics (formerly Invitae), Labcorp
Classification: Pathogenic for Zellweger spectrum disorders. Last evaluated: 2023-08-11. Review status: criteria provided, single submitter. Criteria: Invitae Variant Classification Sherloc (09022015). Collection method: clinical testing. Allele origin: germline.
Comment: This variant is present in population databases (no rsID available, gnomAD 0.0009%). This sequence change creates a premature translational stop signal (p.Tyr332Trpfs*5) in the PEX1 gene. It is expected to result in an absent or disrupted protein product. Loss-of-function variants in PEX1 are known to be pathogenic (PMID: 21031596, 26387595, 31831025). This variant has not been reported in the literature in individuals affected with PEX1-related conditions. For these reasons, this variant has been classified as Pathogenic.

Literature cited by the submitters: PubMed 21031596; PubMed 26387595; PubMed 31831025.